The following is an entry in ClinVar:

ClinVar aggregate classification (germline): Uncertain significance. Review status: criteria provided, multiple submitters, no conflicts (2 of 4 stars). 2 submissions from 2 submitters: Uncertain significance (2). Last evaluated 2023-10-13.

Conditions:
Early-infantile DEE. Also called: Ohtahara syndrome; Early infantile epileptic encephalopathy with suppression bursts; Early infantile epileptic encephalopathy. Identifiers: Orphanet 1934, MedGen C0393706, MONDO:0800491.

gnomAD v4.1: 3 of 1,613,588 alleles (0.00019%); highest among the groups gnomAD compares: Non-Finnish European, 0.00017%; no homozygotes.

Submissions (2):

Labcorp Genetics (formerly Invitae), Labcorp
Classification: Uncertain significance for Early-infantile DEE. Last evaluated: 2023-10-13. Review status: criteria provided, single submitter. Criteria: Invitae Variant Classification Sherloc (09022015). Collection method: clinical testing. Allele origin: germline.
Comment: This sequence change replaces arginine, which is basic and polar, with leucine, which is neutral and non-polar, at codon 1960 of the SCN8A protein (p.Arg1960Leu). This variant is not present in population databases (gnomAD no frequency). This variant has not been reported in the literature in individuals affected with SCN8A-related conditions. ClinVar contains an entry for this variant (Variation ID: 1878994). Advanced modeling of protein sequence and biophysical properties (such as structural, functional, and spatial information, amino acid conservation, physicochemical variation, residue mobility, and thermodynamic stability) performed at Invitae indicates that this missense variant is not expected to disrupt SCN8A protein function. In summary, the available evidence is currently insufficient to determine the role of this variant in disease. Therefore, it has been classified as a Variant of Uncertain Significance.

GeneDx
Classification: Uncertain significance. Last evaluated: 2022-07-12. Review status: criteria provided, single submitter. Criteria: GeneDx Variant Classification Process June 2021. Collection method: clinical testing. Allele origin: germline. Affected: yes.
Comment: Not observed at significant frequency in large population cohorts (gnomAD); Missense variants in this gene are often considered pathogenic (HGMD); In silico analysis supports that this missense variant does not alter protein structure/function; Has not been previously published as pathogenic or benign to our knowledge; This substitution is predicted to be within the C-terminal cytoplasmic domain

NM_001330260.2(SCN8A):c.5879G>T (p.Arg1960Leu)

Gene: SCN8A (sodium voltage-gated channel alpha subunit 8; plus strand). Cytogenetic location: 12q13.13.
Variant type: single nucleotide variant.
Coding change: c.5879G>T on transcript NM_001330260.2 (MANE Select); coding-DNA position 5879, G replaced by T.
Protein change: p.Arg1960Leu; replaces arginine 1960 with leucine.
Molecular consequence: missense variant.
Genome position (GRCh38, 1-based): chr12:51,807,365, G>T. VCF-style: chr12-51807365-G-T. GRCh37 (hg19) VCF-style: chr12-52201149-G-T.
Other names: c.5756G>T, p.Arg1919Leu (NM_001177984.3, NM_001369788.1); c.5879G>T, p.Arg1960Leu (NM_014191.4); short protein forms R1919L, R1960L.
Identifiers: ClinVar variation 1878994 (VCV001878994.6), dbSNP rs369346315, ClinGen allele CA6571964.